The following is an entry in ClinVar:

ClinVar aggregate classification (germline): Uncertain significance (1 of 4 stars; one submission).

Conditions:
Hereditary cancer-predisposing syndrome. Also called: Hereditary Cancer Syndrome; Hereditary neoplastic syndrome; Neoplastic Syndromes, Hereditary; Tumor predisposition. Identifiers: Orphanet 140162, MedGen C0027672, MeSH D009386, MONDO:0015356.

Submission:

Ambry Genetics
Classification: Uncertain significance for Hereditary cancer-predisposing syndrome. Last evaluated: 2022-10-30. Review status: criteria provided, single submitter. Criteria: Ambry Variant Classification Scheme 2023. Collection method: clinical testing. Allele origin: germline.
Comment: The p.N515T variant (also known as c.1544A>C), located in coding exon 13 of the BAP1 gene, results from an A to C substitution at nucleotide position 1544. The asparagine at codon 515 is replaced by threonine, an amino acid with similar properties. This amino acid position is conserved. In addition, this alteration is predicted to be tolerated by in silico analysis. Since supporting evidence is limited at this time, the clinical significance of this alteration remains unclear.

NM_004656.4(BAP1):c.1544A>C (p.Asn515Thr)

Gene: BAP1 (BRCA1 associated deubiquitinase 1; minus strand). Cytogenetic location: 3p21.1.
Variant type: single nucleotide variant.
Coding change: c.1544A>C on transcript NM_004656.4 (MANE Select); coding-DNA position 1544, A replaced by C.
Protein change: p.Asn515Thr; replaces asparagine 515 with threonine.
Molecular consequence: missense variant.
Genome position (GRCh38, 1-based): chr3:52,403,601, T>G on the plus strand (A>C on the coding strand, the complement: BAP1 is on the minus strand). VCF-style: chr3-52403601-T-G. GRCh37 (hg19) VCF-style: chr3-52437617-T-G.
Other names: c.1490A>C, p.Asn497Thr (NM_001410772.1); short protein forms N515T, N497T.
Identifiers: ClinVar variation 1774895 (VCV001774895.2), dbSNP rs2153226674, ClinGen allele CA353100751.